The following is an entry in ClinVar:

ClinVar aggregate classification (germline): Uncertain significance. Review status: criteria provided, multiple submitters, no conflicts (2 of 4 stars). 2 submissions from 2 submitters: Uncertain significance (2). Last evaluated 2023-07-26.

Conditions:
Bloom syndrome (BLM). Also called: Bloom-Torre-Machacek syndrome. Identifiers: Orphanet 125, MedGen C0005859, MONDO:0008876, OMIM 210900.
Hereditary cancer-predisposing syndrome. Also called: Neoplastic Syndromes, Hereditary; Tumor predisposition; Hereditary neoplastic syndrome; Hereditary Cancer Syndrome. Identifiers: Orphanet 140162, MedGen C0027672, MeSH D009386, MONDO:0015356.

Submissions (2):

Labcorp Genetics (formerly Invitae), Labcorp
Classification: Uncertain significance for Bloom syndrome. Last evaluated: 2023-07-26. Review status: criteria provided, single submitter. Criteria: Invitae Variant Classification Sherloc (09022015). Collection method: clinical testing. Allele origin: germline.
Comment: ClinVar contains an entry for this variant (Variation ID: 2452577). This variant has not been reported in the literature in individuals affected with BLM-related conditions. This variant is not present in population databases (gnomAD no frequency). This sequence change replaces alanine, which is neutral and non-polar, with glutamic acid, which is acidic and polar, at codon 790 of the BLM protein (p.Ala790Glu). Advanced modeling of protein sequence and biophysical properties (such as structural, functional, and spatial information, amino acid conservation, physicochemical variation, residue mobility, and thermodynamic stability) performed at Invitae indicates that this missense variant is not expected to disrupt BLM protein function. In summary, the available evidence is currently insufficient to determine the role of this variant in disease. Therefore, it has been classified as a Variant of Uncertain Significance.

Ambry Genetics
Classification: Uncertain significance for Hereditary cancer-predisposing syndrome. Last evaluated: 2023-03-06. Review status: criteria provided, single submitter. Criteria: Ambry Variant Classification Scheme 2023. Collection method: clinical testing. Allele origin: germline.
Comment: The p.A790E variant (also known as c.2369C>A), located in coding exon 10 of the BLM gene, results from a C to A substitution at nucleotide position 2369. The alanine at codon 790 is replaced by glutamic acid, an amino acid with dissimilar properties. This amino acid position is conserved. In addition, the in silico prediction for this alteration is inconclusive. Since supporting evidence is limited at this time, the clinical significance of this alteration remains unclear.

NM_000057.4(BLM):c.2369C>A (p.Ala790Glu)

Gene: BLM (BLM RecQ like helicase; plus strand). Cytogenetic location: 15q26.1.
Variant type: single nucleotide variant.
Coding change: c.2369C>A on transcript NM_000057.4 (MANE Select); coding-DNA position 2369, C replaced by A.
Protein change: p.Ala790Glu; replaces alanine 790 with glutamic acid.
Molecular consequence: missense variant.
Genome position (GRCh38, 1-based): chr15:90,769,194, C>A. VCF-style: chr15-90769194-C-A. GRCh37 (hg19) VCF-style: chr15-91312424-C-A.
Other names: c.2369C>A, p.Ala790Glu (NM_001287246.2, NM_001287247.2); c.1244C>A, p.Ala415Glu (NM_001287248.2); short protein forms A415E, A790E.
Identifiers: ClinVar variation 2452577 (VCV002452577.5), dbSNP rs2151165767, ClinGen allele CA393845151.